The following is an entry in ClinVar:

NM_016203.4(PRKAG2):c.1040A>G (p.Glu347Gly)

Gene: PRKAG2 (protein kinase AMP-activated non-catalytic subunit gamma 2; minus strand). Cytogenetic location: 7q36.1.
Variant type: single nucleotide variant.
Coding change: c.1040A>G on transcript NM_016203.4 (MANE Select); coding-DNA position 1040, A replaced by G.
Protein change: p.Glu347Gly; replaces glutamic acid 347 with glycine.
Molecular consequence: missense variant.
Genome position (GRCh38, 1-based): chr7:151,572,675, T>C on the plus strand (A>G on the coding strand, the complement: PRKAG2 is on the minus strand). VCF-style: chr7-151572675-T-C. GRCh37 (hg19) VCF-style: chr7-151269761-T-C.
Other names: c.908A>G, p.Glu303Gly (NM_001040633.2); c.665A>G, p.Glu222Gly (NM_001304527.2); c.317A>G, p.Glu106Gly (NM_001304531.2, NM_024429.2); c.668A>G, p.Glu223Gly (NM_001363698.2); short protein forms E222G, E303G, E223G, E347G, E106G.
Identifiers: ClinVar variation 655462 (VCV000655462.11), dbSNP rs760258924, ClinGen allele CA053152.

ClinVar aggregate classification (germline): Uncertain significance. Review status: criteria provided, multiple submitters, no conflicts (2 of 4 stars). 3 submissions from 3 submitters: Uncertain significance (3). Last evaluated 2024-02-22.

Conditions:
Cardiovascular phenotype. Identifiers: MedGen CN230736.
Lethal congenital glycogen storage disease of heart. Also called: PHOSPHORYLASE KINASE DEFICIENCY OF HEART; GLYCOGEN STORAGE DISEASE OF HEART. Identifiers: Orphanet 439854, MedGen C1849813, MONDO:0009867, OMIM 261740.
Hypertrophic cardiomyopathy. Also called: HYPERTROPHIC MYOCARDIOPATHY. Identifiers: Orphanet 217569, MedGen C0007194, MeSH D002312, MONDO:0005045, HP:0001639.

Allele frequency attached by ClinVar (database versions not stated): ExAC 0.00001; gnomAD exomes below 0.00001.
gnomAD v4.1: 2 of 1,599,078 alleles (0.00013%); highest among the groups gnomAD compares: Admixed American, 0.0017%; no homozygotes.

Submissions (3):

All of Us Research Program, National Institutes of Health
Classification: Uncertain significance for Hypertrophic cardiomyopathy. Last evaluated: 2024-02-22. Review status: criteria provided, single submitter. Criteria: ACMG Guidelines, 2015. Collection method: clinical testing. Allele origin: germline. Inheritance: Autosomal dominant inheritance. Observed: 1 variant allele, 1 heterozygote.
Comment: This missense variant replaces glutamic acid with glycine at codon 347 of the PRKAG2 protein. Computational prediction suggests that this variant may have deleterious impact on protein structure and function (internally defined REVEL score threshold >= 0.7, PMID: 27666373). To our knowledge, functional studies have not been reported for this variant. This variant has not been reported in individuals affected with PRKAG2-related disorders in the literature. This variant has been identified in 1/250166 chromosomes in the general population by the Genome Aggregation Database (gnomAD). The available evidence is insufficient to determine the role of this variant in disease conclusively. Therefore, this variant is classified as a Variant of Uncertain Significance.

This study involves interpretation of variants in research participants for the purpose of population health screening. Participant phenotype was not available at the time of variant classification. Additional details can be found in publication PMID: 35346344, PMCID: PMC8962531

Ambry Genetics
Classification: Uncertain significance for Cardiovascular phenotype. Last evaluated: 2022-01-19. Review status: criteria provided, single submitter. Criteria: Ambry Variant Classification Scheme 2023. Collection method: clinical testing. Allele origin: germline.
Comment: The p.E347G variant (also known as c.1040A>G), located in coding exon 9 of the PRKAG2 gene, results from an A to G substitution at nucleotide position 1040. The glutamic acid at codon 347 is replaced by glycine, an amino acid with similar properties. This amino acid position is conserved. In addition, this alteration is predicted to be deleterious by in silico analysis. Since supporting evidence is limited at this time, the clinical significance of this alteration remains unclear.

Labcorp Genetics (formerly Invitae), Labcorp
Classification: Uncertain significance for Lethal congenital glycogen storage disease of heart. Last evaluated: 2018-12-25. Review status: criteria provided, single submitter. Criteria: Invitae Variant Classification Sherloc (09022015). Collection method: clinical testing. Allele origin: germline.
Comment: In summary, the available evidence is currently insufficient to determine the role of this variant in disease. Therefore, it has been classified as a Variant of Uncertain Significance. Algorithms developed to predict the effect of missense changes on protein structure and function do not agree on the potential impact of this missense change (SIFT: "Deleterious"; PolyPhen-2: "Benign"; Align-GVGD: "Class C0"). This variant has not been reported in the literature in individuals with PRKAG2-related disease. This variant is present in population databases (rs760258924, ExAC 0.009%). This sequence change replaces glutamic acid with glycine at codon 347 of the PRKAG2 protein (p.Glu347Gly). The glutamic acid residue is moderately conserved and there is a moderate physicochemical difference between glutamic acid and glycine.